The following is an entry in ClinVar:

NM_138295.5(PKD1L1):c.2332del (p.Gln778fs)

Gene: PKD1L1 (polycystin 1 like 1, transient receptor potential channel interacting; minus strand). Cytogenetic location: 7p12.3.
Variant type: Deletion.
Coding change: c.2332del on transcript NM_138295.5 (MANE Select); coding-DNA position 2332, one base deleted (C; older notation c.2332delC).
Protein change: p.Gln778fs; shifts the reading frame from glutamine 778.
Molecular consequence: frameshift variant.
Genome position (GRCh38, 1-based): chr7:47,893,999, G deleted on the plus strand (C on the coding strand, the reverse complement: PKD1L1 is on the minus strand); the first of 3 consecutive G bases (chr7:47,893,999-47,894,001); deleting any one gives the same sequence. VCF-style (leftmost placement, unchanged base first): chr7-47893998-TG-T. GRCh37 (hg19) VCF-style: chr7-47933595-TG-T.
Other names: c.2332del (NM_138295.3); c.2332delC (NM_138295.5); short protein forms Q778fs.
Identifiers: ClinVar variation 1928308 (VCV001928308.8), dbSNP rs772622926, ClinGen allele CA4253783.
Genomic context (GRCh38, chr7:47,893,998, plus strand): 5'-GATGAGGTGGTCCTGGAGAAGAATAGGTGTGTGCCCTCGGAGATCACACTGACAGGGGCC[TG>T]GGCTCGCACCTCCAGGCCCACACAGTAGTTGCTGTACACCACACTGCCTTCAATCTGAAC-3'

ClinVar aggregate classification (germline): Pathogenic/Likely pathogenic. Review status: criteria provided, multiple submitters, no conflicts (2 of 4 stars). 4 submissions from 4 submitters: Pathogenic (2); Likely pathogenic (2). Last evaluated 2025-10-15.

Conditions:
Heterotaxy, visceral, 8, autosomal (HTX8). Identifiers: MedGen C4310668, MONDO:0014967, OMIM 617205.
PKD1L1-related disorder. Also called: PKD1L1-related condition.

Submissions (4):

Labcorp Genetics (formerly Invitae), Labcorp
Classification: Pathogenic. Last evaluated: 2025-10-15. Review status: criteria provided, single submitter. Criteria: Invitae Variant Classification Sherloc (09022015). Collection method: clinical testing. Allele origin: germline.
Comment: This sequence change creates a premature translational stop signal (p.Gln778Argfs*6) in the PKD1L1 gene. It is expected to result in an absent or disrupted protein product. Loss-of-function variants in PKD1L1 are known to be pathogenic (PMID: 27616478). This variant is present in population databases (rs772622926, gnomAD 0.01%). This variant has not been reported in the literature in individuals affected with PKD1L1-related conditions. ClinVar contains an entry for this variant (Variation ID: 1928308). For these reasons, this variant has been classified as Pathogenic.

PreventionGenetics, part of Exact Sciences
Classification: Likely pathogenic for PKD1L1-related condition. Last evaluated: 2025-03-12. Review status: criteria provided, single submitter. Criteria: ACMG Guidelines, 2015. Collection method: clinical testing. Allele origin: germline.
Comment: The PKD1L1 c.2332delC variant is predicted to result in a frameshift and premature protein termination (p.Gln778Argfs*6). To our knowledge, this variant has not been reported in the literature. This variant is reported in 0.015% of alleles in individuals of Latino descent in gnomAD. Frameshift variants in PKD1L1 are expected to be pathogenic. This variant is interpreted as likely pathogenic.

GeneDx
Classification: Likely pathogenic. Last evaluated: 2025-01-25. Review status: criteria provided, single submitter. Criteria: GeneDx Variant Classification Process June 2021. Collection method: clinical testing. Allele origin: germline. Affected: yes.
Comment: Frameshift variant predicted to result in protein truncation or nonsense mediated decay in a gene for which loss of function is a known mechanism of disease; Not observed at significant frequency in large population cohorts (gnomAD); Has not been previously published as pathogenic or benign to our knowledge

Daryl Scott Lab, Baylor College of Medicine
Classification: Pathogenic for Heterotaxy, visceral, 8, autosomal. Last evaluated: 2024-01-01. Review status: criteria provided, single submitter. Criteria: ACMG Guidelines, 2015. Collection method: clinical testing. Allele origin: maternal. Observed: 1 heterozygote.
Comment: PVS1, PM2

Literature cited by the submitters: PubMed 27616478 (cited by Labcorp Genetics (formerly Invitae), Labcorp).